The following is an entry in ClinVar:

NM_003560.4(PLA2G6):c.1417G>A (p.Glu473Lys)

Gene: PLA2G6 (phospholipase A2 group VI; minus strand). Cytogenetic location: 22q13.1.
Variant type: single nucleotide variant.
Coding change: c.1417G>A on transcript NM_003560.4 (MANE Select); coding-DNA position 1417, G replaced by A.
Protein change: p.Glu473Lys; replaces glutamic acid 473 with lysine.
Molecular consequence: missense variant.
Genome position (GRCh38, 1-based): chr22:38,126,381, C>T on the plus strand (G>A on the coding strand, the complement: PLA2G6 is on the minus strand). VCF-style: chr22-38126381-C-T. GRCh37 (hg19) VCF-style: chr22-38522388-C-T.
Other names: c.1255G>A, p.Glu419Lys (NM_001004426.3, NM_001199562.3, NM_001349865.2 and 1 more transcripts); c.1417G>A, p.Glu473Lys (NM_001349864.2); c.883G>A, p.Glu295Lys (NM_001349867.2); c.739G>A, p.Glu247Lys (NM_001349868.2); c.721G>A, p.Glu241Lys (NM_001349869.2); c.1417G>A (NM_003560.2); short protein forms E247K, E295K, E419K, E241K, E473K.
Identifiers: ClinVar variation 1387679 (VCV001387679.8), dbSNP rs777645662, ClinGen allele CA10230875.

ClinVar aggregate classification (germline): Uncertain significance. Review status: criteria provided, multiple submitters, no conflicts (2 of 4 stars). 3 submissions from 3 submitters: Uncertain significance (3). Last evaluated 2025-02-26.

Conditions:
Inborn genetic diseases. Identifiers: MedGen C0950123, MeSH D030342.
Infantile neuroaxonal dystrophy (NBIA2A). Also called: SEITELBERGER DISEASE; NEURODEGENERATION WITH BRAIN IRON ACCUMULATION 2A; Infantile neuroaxonal dystrophy 1. Identifiers: Orphanet 35069, MedGen C0270724, MONDO:0024457, OMIM 256600.

Allele frequency attached by ClinVar (database versions not stated): ExAC 0.00002; gnomAD exomes 0.00002 and 0.00003; gnomAD 0.00003 and 0.00004; TOPMed 0.00009.
gnomAD v4.1: 55 of 1,612,946 alleles (0.0034%); highest among the groups gnomAD compares: Admixed American, 0.015%; no homozygotes.

Submissions (3):

GeneDx
Classification: Uncertain significance. Last evaluated: 2025-02-26. Review status: criteria provided, single submitter. Criteria: GeneDx Variant Classification Process June 2021. Collection method: clinical testing. Allele origin: germline.
Comment: In silico analysis indicates that this missense variant does not alter protein structure/function; Has not been previously published as pathogenic or benign to our knowledge; Not observed at significant frequency in large population cohorts (gnomAD)

Ambry Genetics
Classification: Uncertain significance for Inborn genetic diseases. Last evaluated: 2024-12-25. Review status: criteria provided, single submitter. Criteria: Ambry Variant Classification Scheme 2023. Collection method: clinical testing. Allele origin: germline.

Labcorp Genetics (formerly Invitae), Labcorp
Classification: Uncertain significance for Infantile neuroaxonal dystrophy. Last evaluated: 2021-08-27. Review status: criteria provided, single submitter. Criteria: Invitae Variant Classification Sherloc (09022015). Collection method: clinical testing. Allele origin: germline.
Comment: This sequence change replaces glutamic acid with lysine at codon 473 of the PLA2G6 protein (p.Glu473Lys). The glutamic acid residue is moderately conserved and there is a small physicochemical difference between glutamic acid and lysine. This variant is present in population databases (rs777645662, ExAC 0.009%). This variant has not been reported in the literature in individuals affected with PLA2G6-related conditions. Advanced modeling of protein sequence and biophysical properties (such as structural, functional, and spatial information, amino acid conservation, physicochemical variation, residue mobility, and thermodynamic stability) performed at Invitae indicates that this missense variant is not expected to disrupt PLA2G6 protein function. In summary, the available evidence is currently insufficient to determine the role of this variant in disease. Therefore, it has been classified as a Variant of Uncertain Significance.